The following is an entry in ClinVar:

ClinVar aggregate classification (germline): Uncertain significance (1 of 4 stars; one submission).

Conditions:
Inborn genetic diseases. Identifiers: MedGen C0950123, MeSH D030342.

Submission:

Ambry Genetics
Classification: Uncertain significance for Inborn genetic diseases. Last evaluated: 2018-12-06. Review status: criteria provided, single submitter. Criteria: Ambry Variant Classification Scheme 2023. Collection method: clinical testing. Allele origin: germline.
Comment: The p.F579I variant (also known as c.1735T>A), located in coding exon 9 of the KAT6A gene, results from a T to A substitution at nucleotide position 1735. The phenylalanine at codon 579 is replaced by isoleucine, an amino acid with highly similar properties. This amino acid position is highly conserved in available vertebrate species. In addition, this alteration is predicted to be deleterious by in silico analysis. Since supporting evidence is limited at this time, the clinical significance of this alteration remains unclear.

NM_006766.5(KAT6A):c.1735T>A (p.Phe579Ile)

Gene: KAT6A (lysine acetyltransferase 6A; minus strand). Cytogenetic location: 8p11.21.
Variant type: single nucleotide variant.
Coding change: c.1735T>A on transcript NM_006766.5 (MANE Select); coding-DNA position 1735, T replaced by A.
Protein change: p.Phe579Ile; replaces phenylalanine 579 with isoleucine.
Molecular consequence: missense variant.
Genome position (GRCh38, 1-based): chr8:41,949,227, A>T on the plus strand (T>A on the coding strand, the complement: KAT6A is on the minus strand). VCF-style: chr8-41949227-A-T. GRCh37 (hg19) VCF-style: chr8-41806745-A-T.
Other names: c.1735T>A, p.Phe579Ile (NM_001305878.2); short protein forms F579I.
Identifiers: ClinVar variation 1779067 (VCV001779067.2), dbSNP rs2486789743, ClinGen allele CA371074141.